The following is an entry in ClinVar:

ClinVar aggregate classification (germline): Uncertain significance (1 of 4 stars; one submission).

Conditions:
Charcot-Marie-Tooth disease type 4. Also called: Charcot-Marie-Tooth disease, type IV; Charcot-Marie-Tooth, Type 4. Identifiers: Orphanet 64749, MedGen C4082197, MONDO:0018995.

Submission:

Labcorp Genetics (formerly Invitae), Labcorp
Classification: Uncertain significance for Charcot-Marie-Tooth disease type 4. Last evaluated: 2025-04-21. Review status: criteria provided, single submitter. Criteria: Invitae Variant Classification Sherloc (09022015). Collection method: clinical testing. Allele origin: germline.
Comment: This sequence change replaces arginine, which is basic and polar, with glycine, which is neutral and non-polar, at codon 778 of the PRX protein (p.Arg778Gly). This variant is not present in population databases (gnomAD no frequency). This variant has not been reported in the literature in individuals affected with PRX-related conditions. ClinVar contains an entry for this variant (Variation ID: 937586). Invitae Evidence Modeling of protein sequence and biophysical properties (such as structural, functional, and spatial information, amino acid conservation, physicochemical variation, residue mobility, and thermodynamic stability) indicates that this missense variant is not expected to disrupt PRX protein function with a negative predictive value of 80%. In summary, the available evidence is currently insufficient to determine the role of this variant in disease. Therefore, it has been classified as a Variant of Uncertain Significance.

NM_181882.3(PRX):c.2332A>G (p.Arg778Gly)

Gene: PRX (periaxin; minus strand). Cytogenetic location: 19q13.2.
Variant type: single nucleotide variant.
Coding change: c.2332A>G on transcript NM_181882.3 (MANE Select); coding-DNA position 2332, A replaced by G.
Protein change: p.Arg778Gly; replaces arginine 778 with glycine.
Molecular consequence: missense variant. On other transcripts: 3 prime UTR variant (1).
Genome position (GRCh38, 1-based): chr19:40,396,020, T>C on the plus strand (A>G on the coding strand, the complement: PRX is on the minus strand). VCF-style: chr19-40396020-T-C. GRCh37 (hg19) VCF-style: chr19-40901927-T-C.
Other names: c.*2537A>G (NM_020956.2); short protein forms R778G.
Identifiers: ClinVar variation 937586 (VCV000937586.6), dbSNP rs2079431069, ClinGen allele CA405896518.